The following is an entry in ClinVar:

NM_001370466.1(NOD2):c.1430G>A (p.Gly477Glu)

Gene: NOD2 (nucleotide binding oligomerization domain containing 2; plus strand). Cytogenetic location: 16q12.1.
Variant type: single nucleotide variant.
Coding change: c.1430G>A on transcript NM_001370466.1 (MANE Select); coding-DNA position 1430, G replaced by A.
Protein change: p.Gly477Glu; replaces glycine 477 with glutamic acid.
Molecular consequence: missense variant. On other transcripts: non-coding transcript variant (1).
Genome position (GRCh38, 1-based): chr16:50,711,422, G>A. VCF-style: chr16-50711422-G-A. GRCh37 (hg19) VCF-style: chr16-50745333-G-A.
Other names: c.1430G>A, p.Gly477Glu (NM_001293557.2); c.1511G>A, p.Gly504Glu (NM_022162.3); short protein forms G477E, G504E.
Identifiers: ClinVar variation 2932987 (VCV002932987.4), dbSNP rs775823953, ClinGen allele CA395869081.

ClinVar aggregate classification (germline): Uncertain significance. Review status: criteria provided, multiple submitters, no conflicts (2 of 4 stars). 2 submissions from 2 submitters: Uncertain significance (2). Last evaluated 2025-08-14.

Conditions:
Regional enteritis. Also called: Enteritis, Granulomatous. Identifiers: MedGen C0678202, MeSH D003424.
Blau syndrome (BLAUS). Also called: ARTHROCUTANEOUVEAL GRANULOMATOSIS; GRANULOMATOSIS, FAMILIAL JUVENILE SYSTEMIC; GRANULOMATOSIS, FAMILIAL, BLAU TYPE; GRANULOMATOUS INFLAMMATORY ARTHRITIS, DERMATITIS, AND UVEITIS, FAMILIAL; JABS SYNDROME. Identifiers: Orphanet 90340, MedGen C5201146, MONDO:0008523, OMIM 186580.
Inborn genetic diseases. Identifiers: MedGen C0950123, MeSH D030342.

Allele frequency attached by ClinVar (database versions not stated): gnomAD 0.00001.
gnomAD v4.1: 3 of 1,613,426 alleles (0.00019%); highest among the groups gnomAD compares: Non-Finnish European, 0.00025%; no homozygotes.

Submissions (2):

Ambry Genetics
Classification: Uncertain significance for Inborn genetic diseases. Last evaluated: 2025-08-14. Review status: criteria provided, single submitter. Criteria: Ambry Variant Classification Scheme 2023. Collection method: clinical testing. Allele origin: germline.

Labcorp Genetics (formerly Invitae), Labcorp
Classification: Uncertain significance for Regional enteritis; Blau syndrome. Last evaluated: 2023-02-01. Review status: criteria provided, single submitter. Criteria: Invitae Variant Classification Sherloc (09022015). Collection method: clinical testing. Allele origin: germline.
Comment: This sequence change replaces glycine, which is neutral and non-polar, with glutamic acid, which is acidic and polar, at codon 504 of the NOD2 protein (p.Gly504Glu). This variant is present in population databases (no rsID available, gnomAD 0.0008%). This variant has not been reported in the literature in individuals affected with NOD2-related conditions. Advanced modeling of protein sequence and biophysical properties (such as structural, functional, and spatial information, amino acid conservation, physicochemical variation, residue mobility, and thermodynamic stability) performed at Invitae indicates that this missense variant is not expected to disrupt NOD2 protein function. In summary, the available evidence is currently insufficient to determine the role of this variant in disease. Therefore, it has been classified as a Variant of Uncertain Significance.